The following is an entry in ClinVar:

ClinVar aggregate classification (germline): Likely benign (1 of 4 stars; one submission).

Allele frequency attached by ClinVar (database versions not stated): gnomAD exomes 0.00001; gnomAD 0.00003; TOPMed 0.00003.
gnomAD v4.1: 12 of 1,146,694 alleles (0.001%); highest among the groups gnomAD compares: East Asian, 0.036%; no homozygotes.

Submission:

CeGaT Center for Human Genetics Tuebingen
Classification: Likely benign. Last evaluated: 2023-09-01. Review status: criteria provided, single submitter. Criteria: CeGaT Center For Human Genetics Tuebingen Variant Classification Criteria Version 2. Collection method: clinical testing. Allele origin: germline. Affected: yes. Observed: 1 variant allele.
Comment: AFF2: BP4

NM_002025.4(AFF2):c.1041+56438C>T

Gene: AFF2 (ALF transcription elongation factor 2; plus strand). Cytogenetic location: Xq28.
Variant type: single nucleotide variant.
Coding change: c.1041+56438C>T on transcript NM_002025.4 (MANE Select); 56438 bases into the intron after coding-DNA position 1041, C replaced by T.
Molecular consequence: intron variant. On other transcripts: missense variant (1).
Genome position (GRCh38, 1-based): chrX:148,719,206, C>T. VCF-style: chrX-148719206-C-T. GRCh37 (hg19) VCF-style: chrX-147800730-C-T.
Other names: c.26C>T, p.Ala9Val (NM_001170628.1); c.1041+56438C>T (NM_001169124.2); c.1029+56438C>T (NM_001169123.2, NM_001169122.2, NM_001169125.2); short protein forms A9V.
Identifiers: ClinVar variation 2661602 (VCV002661602.24), dbSNP rs1445509767, ClinGen allele CA414508431.